The following is an entry in ClinVar:

ClinVar aggregate classification (germline): Pathogenic (1 of 4 stars; one submission).

Conditions:
Neurofibromatosis, type 1 (NF1). Also called: NEUROFIBROMATOSIS, TYPE I, SOMATIC; Neurofibromatosis, type I; Peripheral type neurofibromatosis; VON RECKLINGHAUSEN DISEASE. Identifiers: Orphanet 636, MedGen C0027831, MONDO:0018975, OMIM 162200. Disease mechanism: loss of function.

Submission:

Labcorp Genetics (formerly Invitae), Labcorp
Classification: Pathogenic for Neurofibromatosis, type 1. Last evaluated: 2024-03-18. Review status: criteria provided, single submitter. Criteria: Invitae Variant Classification Sherloc (09022015). Collection method: clinical testing. Allele origin: germline.
Comment: This sequence change creates a premature translational stop signal (p.Gln1499Argfs*54) in the NF1 gene. It is expected to result in an absent or disrupted protein product. Loss-of-function variants in NF1 are known to be pathogenic (PMID: 10712197, 23913538). This variant is not present in population databases (gnomAD no frequency). This variant has not been reported in the literature in individuals affected with NF1-related conditions. ClinVar contains an entry for this variant (Variation ID: 2018363). For these reasons, this variant has been classified as Pathogenic.

Literature cited by the submitters: PubMed 10712197; PubMed 23913538.

NM_001042492.3(NF1):c.4559del (p.Gln1520fs)

Gene: NF1 (neurofibromin 1; plus strand). Cytogenetic location: 17q11.2.
Variant type: Deletion.
Coding change: c.4559del on transcript NM_001042492.3 (MANE Select); coding-DNA position 4559, one base deleted (A; older notation c.4559delA).
Protein change: p.Gln1520fs; shifts the reading frame from glutamine 1520.
Molecular consequence: frameshift variant.
Genome position (GRCh38, 1-based): chr17:31,260,497, A deleted. VCF-style (leftmost placement, unchanged base first): chr17-31260496-CA-C. GRCh37 (hg19) VCF-style: chr17-29587514-CA-C.
Other names: c.4496delA, p.Gln1499Argfs (NM_000267.4); short protein forms Q1520fs, Q1499fs.
Identifiers: ClinVar variation 2018363 (VCV002018363.4), dbSNP rs2508421997, ClinGen allele CA2580093260.
Genomic context (GRCh38, chr17:31,260,496, plus strand): 5'-AGTGACGGCAATGTGCTTGCTTTACATCGTCTACTCTGGAACAATCAGGAGAAAATTGGG[CA>C]GTATCTTTCCAGCAACAGGTAAGATTTCCCAGTCATGGGGATAGTGAACACTCTCCGTTT-3'